The following is an entry in ClinVar:

ClinVar aggregate classification (germline): Uncertain significance. Review status: criteria provided, multiple submitters, no conflicts (2 of 4 stars). 2 submissions from 2 submitters: Uncertain significance (2). Last evaluated 2024-10-26.

Allele frequency attached by ClinVar (database versions not stated): gnomAD exomes 0.00004 and 0.00009; ExAC 0.00005; gnomAD 0.00007 and 0.00009; TOPMed 0.00009; 1000 Genomes Project 0.00026; 1000 Genomes Project 30x 0.00042.
gnomAD v4.1: 108 of 1,208,819 alleles (0.0089%); highest among the groups gnomAD compares: South Asian, 0.028%; no homozygotes.

Submissions (2):

Labcorp Genetics (formerly Invitae), Labcorp
Classification: Uncertain significance. Last evaluated: 2024-10-26. Review status: criteria provided, single submitter. Criteria: Invitae Variant Classification Sherloc (09022015). Collection method: clinical testing. Allele origin: germline.
Comment: This sequence change replaces arginine, which is basic and polar, with histidine, which is basic and polar, at codon 1672 of the CACNA1F protein (p.Arg1672His). This variant is present in population databases (rs781810644, gnomAD 0.02%). This variant has not been reported in the literature in individuals affected with CACNA1F-related conditions. ClinVar contains an entry for this variant (Variation ID: 861373). An algorithm developed to predict the effect of missense changes on protein structure and function outputs the following: PolyPhen-2: "Benign". The histidine amino acid residue is found in multiple mammalian species, which suggests that this missense change does not adversely affect protein function. In summary, the available evidence is currently insufficient to determine the role of this variant in disease. Therefore, it has been classified as a Variant of Uncertain Significance.

Blueprint Genetics
Classification: Uncertain significance. Last evaluated: 2024-05-31. Review status: criteria provided, single submitter. Criteria: ACMG Guidelines, 2015. Collection method: clinical testing. Allele origin: germline.

NM_001256789.3(CACNA1F):c.4982G>A (p.Arg1661His)

Gene: CACNA1F (calcium voltage-gated channel subunit alpha1 F; minus strand). Cytogenetic location: Xp11.23.
Variant type: single nucleotide variant.
Coding change: c.4982G>A on transcript NM_001256789.3 (MANE Select); coding-DNA position 4982, G replaced by A.
Protein change: p.Arg1661His; replaces arginine 1661 with histidine.
Molecular consequence: missense variant.
Genome position (GRCh38, 1-based): chrX:49,208,656, C>T on the plus strand (G>A on the coding strand, the complement: CACNA1F is on the minus strand). VCF-style: chrX-49208656-C-T. GRCh37 (hg19) VCF-style: chrX-49065116-C-T.
Other names: c.4820G>A, p.Arg1607His (NM_001256790.3); c.5015G>A, p.Arg1672His (NM_005183.4); short protein forms R1661H, R1672H, R1607H.
Identifiers: ClinVar variation 861373 (VCV000861373.11), dbSNP rs781810644, ClinGen allele CA10410060.